The following is an entry in ClinVar:

NM_001164508.2(NEB):c.10821del (p.Asp3608fs)

Gene: NEB (nebulin; minus strand). Cytogenetic location: 2q23.3.
Variant type: Deletion.
Coding change: c.10821del on transcript NM_001164508.2 (MANE Select); coding-DNA position 10821, one base deleted (C; older notation c.10821delC).
Protein change: p.Asp3608fs; shifts the reading frame from aspartic acid 3608.
Molecular consequence: frameshift variant.
Genome position (GRCh38, 1-based): chr2:151,619,502, G deleted on the plus strand (C on the coding strand, the reverse complement: NEB is on the minus strand); the first of 3 consecutive G bases (chr2:151,619,502-151,619,504); deleting any one gives the same sequence. VCF-style (leftmost placement, unchanged base first): chr2-151619501-CG-C. GRCh37 (hg19) VCF-style: chr2-152476015-CG-C.
Other names: c.10821del, p.Asp3608fs (NM_001164507.2, NM_001271208.2); c.10819delC, p.Asp3608Thrfs (NM_001271208.1); c.10092del, p.Asp3365fs (NM_004543.5); short protein forms D3365fs, D3608fs.
Identifiers: ClinVar variation 4058539 (VCV004058539.2).

ClinVar aggregate classification (germline): Likely pathogenic (1 of 4 stars; one submission).

Conditions:
Nemaline myopathy 2 (NEM2). Also called: Nemaline myopathy 2, autosomal recessive. Identifiers: MedGen C1850569, MONDO:0009725, OMIM 256030.

Submission:

Natera, Inc.
Classification: Likely pathogenic for Nemaline myopathy type 2. Last evaluated: 2025-04-10. Review status: criteria provided, single submitter. Criteria: Natera Variant Classification Schema (03/2026). Collection method: clinical testing. Allele origin: germline.
Comment: The c.10821del variant in NEB is a frameshift variant predicted to shift the reading frame beginning at codon 3608 and leads to a stop codon 27 codons downstream. This variant is expected to result in nonsense mediated decay, truncation, or a dysfunctional protein product. This variant is rare in the general population with a frequency below the threshold expected for the associated phenotype(s). Given the available evidence, this variant is classified as Likely Pathogenic.